The following is an entry in ClinVar:

ClinVar aggregate classification (germline): Benign/Likely benign. Review status: criteria provided, multiple submitters, no conflicts (2 of 4 stars). 5 submissions from 5 submitters: Benign (1); Likely benign (4). Last evaluated 2026-09-21.

Conditions:
Rienhoff syndrome. Also called: LOEYS-DIETZ SYNDROME 5. Identifiers: MedGen C3810012, MONDO:0014262, OMIM 615582.
Familial thoracic aortic aneurysm and aortic dissection (TAAD). Also called: Thoracic aortic aneurysms and dissections. Identifiers: Orphanet 91387, MedGen C4707243, MONDO:0019625.

Allele frequency attached by ClinVar (database versions not stated): ESP Exome Variant Server 0.00154; 1000 Genomes Project 0.00020; gnomAD exomes 0.00020; gnomAD 0.00086 and 0.00096; TOPMed 0.00097; 1000 Genomes Project 30x 0.00016; ExAC 0.00031.
gnomAD v4.1: 238 of 1,614,174 alleles (0.015%); highest among the groups gnomAD compares: African/African-American, 0.3%; no homozygotes.

Submissions (5):

Molecular Diagnostic Laboratory for Inherited Cardiovascular Disease, Montreal Heart Institute
Classification: Likely benign. Last evaluated: 2026-09-21. Review status: criteria provided, single submitter. Criteria: ACMG Guidelines, 2015. Collection method: clinical testing. Allele origin: germline. Affected: no.
Comment: BS1;BP7

Labcorp Genetics (formerly Invitae), Labcorp
Classification: Benign for Rienhoff syndrome. Last evaluated: 2026-01-12. Review status: criteria provided, single submitter. Criteria: Invitae Variant Classification Sherloc (09022015). Collection method: clinical testing. Allele origin: germline.

Blueprint Genetics
Classification: Likely benign. Last evaluated: 2024-10-16. Review status: criteria provided, single submitter. Criteria: ACMG Guidelines, 2015. Collection method: clinical testing. Allele origin: germline.

GeneDx
Classification: Likely benign. Last evaluated: 2021-05-28. Review status: criteria provided, single submitter. Criteria: GeneDx Variant Classification Process June 2021. Collection method: clinical testing. Allele origin: germline. Affected: yes.

Ambry Genetics
Classification: Likely benign for Familial thoracic aortic aneurysm and aortic dissection. Last evaluated: 2016-01-21. Review status: criteria provided, single submitter. Criteria: Ambry Variant Classification Scheme 2023. Collection method: clinical testing. Allele origin: germline.

NM_003239.5(TGFB3):c.34C>T (p.Leu12=)

Gene: TGFB3 (transforming growth factor beta 3; minus strand). Cytogenetic location: 14q24.3.
Variant type: single nucleotide variant.
Coding change: c.34C>T on transcript NM_003239.5 (MANE Select); coding-DNA position 34, C replaced by T.
Protein change: p.Leu12=; no amino-acid change (leucine 12 retained).
Molecular consequence: synonymous variant.
Genome position (GRCh38, 1-based): chr14:75,980,860, G>A on the plus strand (C>T on the coding strand, the complement: TGFB3 is on the minus strand). VCF-style: chr14-75980860-G-A. GRCh37 (hg19) VCF-style: chr14-76447203-G-A.
Other names: c.34C>T (NM_003239.4); c.34C>T, p.Leu12= (NM_001329938.2, NM_001329939.2).
Identifiers: ClinVar variation 239518 (VCV000239518.20), dbSNP rs143612445, ClinGen allele CA7280534.